The following is an entry in ClinVar:

NM_000222.3(KIT):c.2590T>G (p.Ser864Ala)

Gene: KIT (KIT proto-oncogene, receptor tyrosine kinase; plus strand). Cytogenetic location: 4q12.
Variant type: single nucleotide variant.
Coding change: c.2590T>G on transcript NM_000222.3 (MANE Select); coding-DNA position 2590, T replaced by G.
Protein change: p.Ser864Ala; replaces serine 864 with alanine.
Molecular consequence: missense variant.
Genome position (GRCh38, 1-based): chr4:54,736,603, T>G. VCF-style: chr4-54736603-T-G. GRCh37 (hg19) VCF-style: chr4-55602769-T-G.
Other names: c.2578T>G, p.Ser860Ala (NM_001093772.2, NM_001385292.1); c.2593T>G, p.Ser865Ala (NM_001385284.1); c.2587T>G, p.Ser863Ala (NM_001385285.1); c.2575T>G, p.Ser859Ala (NM_001385286.1); c.2581T>G, p.Ser861Ala (NM_001385288.1); c.2590T>G, p.Ser864Ala (NM_001385290.1); short protein forms S861A, S865A, S864A, S859A, S860A, S863A.
Identifiers: ClinVar variation 3864537 (VCV003864537.1).

ClinVar aggregate classification (germline): Uncertain significance (1 of 4 stars; one submission).

Conditions:
Hereditary cancer-predisposing syndrome. Also called: Hereditary neoplastic syndrome; Neoplastic Syndromes, Hereditary; Tumor predisposition; Hereditary Cancer Syndrome. Identifiers: Orphanet 140162, MedGen C0027672, MeSH D009386, MONDO:0015356.

Submission:

Ambry Genetics
Classification: Uncertain significance for Hereditary cancer-predisposing syndrome. Last evaluated: 2025-01-28. Review status: criteria provided, single submitter. Criteria: Ambry Variant Classification Scheme 2023. Collection method: clinical testing. Allele origin: germline.
Comment: The p.S864A variant (also known as c.2590T>G), located in coding exon 18 of the KIT gene, results from a T to G substitution at nucleotide position 2590. The serine at codon 864 is replaced by alanine, an amino acid with similar properties. This amino acid position is conserved. In addition, the in silico prediction for this alteration is inconclusive. Based on the available evidence, the clinical significance of this variant remains unclear.